The following is an entry in ClinVar:

NM_001458.5(FLNC):c.7339C>A (p.Pro2447Thr)

Genes: FLNC-AS1 (FLNC antisense RNA 1; minus strand), FLNC (filamin C; plus strand). Cytogenetic location: 7q32.1.
Variant type: single nucleotide variant.
Coding change: c.7339C>A on transcript NM_001458.5 (MANE Select); coding-DNA position 7339, C replaced by A.
Protein change: p.Pro2447Thr; replaces proline 2447 with threonine.
Molecular consequence: missense variant.
Genome position (GRCh38, 1-based): chr7:128,856,605, C>A. VCF-style: chr7-128856605-C-A. GRCh37 (hg19) VCF-style: chr7-128496659-C-A.
Other names: c.7240C>A, p.Pro2414Thr (NM_001127487.2); short protein forms P2447T, P2414T.
Identifiers: ClinVar variation 472169 (VCV000472169.9), dbSNP rs1554401770, ClinGen allele CA369216857.

ClinVar aggregate classification (germline): Uncertain significance (1 of 4 stars; one submission).

Conditions:
Distal myopathy with posterior leg and anterior hand involvement. Also called: WILLIAMS DISTAL MYOPATHY. Identifiers: Orphanet 63273, MedGen C3279722, MONDO:0013550, OMIM 614065.
Myofibrillar myopathy 5. Also called: Filaminopathy (type); FILAMINOPATHY, AUTOSOMAL DOMINANT. Identifiers: Orphanet 171445, MedGen C1836050, MONDO:0012289, OMIM 609524.
Hypertrophic cardiomyopathy 26. Also called: Cardiomyopathy, familial hypertrophic, 26. Identifiers: Orphanet 75249, MedGen C4310749, MONDO:0014883, OMIM 617047.

Submission:

Labcorp Genetics (formerly Invitae), Labcorp
Classification: Uncertain significance for Distal myopathy with posterior leg and anterior hand involvement; Myofibrillar myopathy 5; Hypertrophic cardiomyopathy 26. Last evaluated: 2022-02-03. Review status: criteria provided, single submitter. Criteria: Invitae Variant Classification Sherloc (09022015). Collection method: clinical testing. Allele origin: germline.
Comment: This variant is not present in population databases (gnomAD no frequency). In summary, the available evidence is currently insufficient to determine the role of this variant in disease. Therefore, it has been classified as a Variant of Uncertain Significance. Algorithms developed to predict the effect of missense changes on protein structure and function are either unavailable or do not agree on the potential impact of this missense change (SIFT: "Deleterious"; PolyPhen-2: "Probably Damaging"; Align-GVGD: "Class C0"). ClinVar contains an entry for this variant (Variation ID: 472169). This variant has not been reported in the literature in individuals affected with FLNC-related conditions. This sequence change replaces proline, which is neutral and non-polar, with threonine, which is neutral and polar, at codon 2447 of the FLNC protein (p.Pro2447Thr).